The following is an entry in ClinVar:

NM_024675.4(PALB2):c.1396T>A (p.Ser466Thr)

Gene: PALB2 (partner and localizer of BRCA2; minus strand). Cytogenetic location: 16p12.2.
Variant type: single nucleotide variant.
Coding change: c.1396T>A on transcript NM_024675.4 (MANE Select); coding-DNA position 1396, T replaced by A.
Protein change: p.Ser466Thr; replaces serine 466 with threonine.
Molecular consequence: missense variant. On other transcripts: intron variant (3).
Genome position (GRCh38, 1-based): chr16:23,635,150, A>T on the plus strand (T>A on the coding strand, the complement: PALB2 is on the minus strand). VCF-style: chr16-23635150-A-T. GRCh37 (hg19) VCF-style: chr16-23646471-A-T.
Other names: c.1336T>A, p.Ser446Thr (NM_001407296.1); c.1396T>A, p.Ser466Thr (NM_001407297.1, NM_001407298.1, NM_001407299.1 and 3 more transcripts); c.511T>A, p.Ser171Thr (NM_001407304.1, NM_001407305.1, NM_001407306.1 and 5 more transcripts); c.49-5875T>A (NM_001407314.1); c.-104-4681T>A (NM_001407313.1, NM_001407312.1); short protein forms S171T, S446T, S466T.
Identifiers: ClinVar variation 3669163 (VCV003669163.2).

ClinVar aggregate classification (germline): Uncertain significance (1 of 4 stars; one submission).

Conditions:
Familial cancer of breast. Also called: hereditary breast carcinoma; Hereditary breast cancer; BREAST CANCER, FAMILIAL. Identifiers: Orphanet 227535, MedGen C0346153, MONDO:0016419, OMIM 114480. Disease mechanism: loss of function.

Submission:

Labcorp Genetics (formerly Invitae), Labcorp
Classification: Uncertain significance for Familial cancer of breast. Last evaluated: 2024-03-16. Review status: criteria provided, single submitter. Criteria: Invitae Variant Classification Sherloc (09022015). Collection method: clinical testing. Allele origin: germline.
Comment: This sequence change replaces serine, which is neutral and polar, with threonine, which is neutral and polar, at codon 466 of the PALB2 protein (p.Ser466Thr). This variant is not present in population databases (gnomAD no frequency). This variant has not been reported in the literature in individuals affected with PALB2-related conditions. Advanced modeling of protein sequence and biophysical properties (such as structural, functional, and spatial information, amino acid conservation, physicochemical variation, residue mobility, and thermodynamic stability) performed at Invitae indicates that this missense variant is not expected to disrupt PALB2 protein function with a negative predictive value of 80%. In summary, the available evidence is currently insufficient to determine the role of this variant in disease. Therefore, it has been classified as a Variant of Uncertain Significance.